The following is an entry in ClinVar:

ClinVar aggregate classification (germline): Conflicting classifications of pathogenicity. Review status: criteria provided, conflicting classifications (1 of 4 stars). 3 submissions from 3 submitters: Likely pathogenic (2); Uncertain significance (1). Last evaluated 2024-10-10.

Conditions:
GNAS-related disorder. Identifiers: MedGen CN380105.

Submissions (3):

PreventionGenetics, part of Exact Sciences
Classification: Likely pathogenic for GNAS-related condition. Last evaluated: 2024-10-10. Review status: criteria provided, single submitter. Criteria: ACMG Guidelines, 2015. Collection method: clinical testing. Allele origin: germline.
Comment: The GNAS c.569A>G variant is predicted to result in the amino acid substitution p.Tyr190Cys. This variant was reported in individuals with GNAS-related disorders including one de novo case (reported as NM_001077488:c.572A>G, Tyr191Cys in Table S2, Snanoudj et al. 2020. PubMed ID: 31886927; de novo, Norcy et al. 2019. PubMed ID: 31696922). This variant has not been reported in a large population database (gnomAD), indicating this variant is rare. Of note, a different substitution at the same codon, defined as c.568T>G (p.Tyr190Asp), was reported in an individual with Albright hereditary osteodystrophy (AHO) (Ringel et al. 1996. PubMed ID: 8699958). The c.569A>G (p.Tyr190Cys) variant is interpreted as likely pathogenic.

GeneDx
Classification: Uncertain significance. Last evaluated: 2023-06-30. Review status: criteria provided, single submitter. Criteria: GeneDx Variant Classification Process June 2021. Collection method: clinical testing. Allele origin: germline. Affected: yes.
Comment: Reported as c.572A>G p.(Tyr191Cys) in one family from a study screening for GNAS variants in 204 families with pseudohypoparathyroidism type 1A and pseudopseudohypoparathyroidism, but additional clinical information was not included (Snanoudj et al., 2020); Not observed at significant frequency in large population cohorts (gnomAD); In silico analysis supports that this missense variant has a deleterious effect on protein structure/function; This variant is associated with the following publications: (PMID: 31886927)

Labcorp Genetics (formerly Invitae), Labcorp
Classification: Likely pathogenic. Last evaluated: 2022-10-20. Review status: criteria provided, single submitter. Criteria: Invitae Variant Classification Sherloc (09022015). Collection method: clinical testing. Allele origin: germline.
Comment: This sequence change replaces tyrosine, which is neutral and polar, with cysteine, which is neutral and slightly polar, at codon 190 of the GNAS protein (p.Tyr190Cys). In summary, the currently available evidence indicates that the variant is pathogenic, but additional data are needed to prove that conclusively. Therefore, this variant has been classified as Likely Pathogenic. This variant disrupts the p.Tyr190 amino acid residue in GNAS. Other variant(s) that disrupt this residue have been observed in individuals with GNAS-related conditions (PMID: 8699958), which suggests that this may be a clinically significant amino acid residue. Advanced modeling of protein sequence and biophysical properties (such as structural, functional, and spatial information, amino acid conservation, physicochemical variation, residue mobility, and thermodynamic stability) performed at Invitae indicates that this missense variant is expected to disrupt GNAS protein function. This variant is also known as p.Tyr191Cys. This missense change has been observed in individual(s) with GNAS-related conditions (PMID: 31696922, 31886927). In at least one individual the variant was observed to be de novo. This variant is not present in population databases (gnomAD no frequency).

Literature cited by the submitters: PubMed 8699958 (cited by Labcorp Genetics (formerly Invitae), Labcorp); PubMed 31696922 (cited by Labcorp Genetics (formerly Invitae), Labcorp); PubMed 31886927 (cited by Labcorp Genetics (formerly Invitae), Labcorp).

NM_000516.7(GNAS):c.569A>G (p.Tyr190Cys)

Gene: GNAS (GNAS complex locus; plus strand). Cytogenetic location: 20q13.32.
Variant type: single nucleotide variant.
Coding change: c.569A>G on transcript NM_000516.7 (MANE Select); coding-DNA position 569, A replaced by G.
Protein change: p.Tyr190Cys; replaces tyrosine 190 with cysteine.
Molecular consequence: missense variant. On other transcripts: 3 prime UTR variant (2).
Genome position (GRCh38, 1-based): chr20:58,909,200, A>G. VCF-style: chr20-58909200-A-G. GRCh37 (hg19) VCF-style: chr20-57484255-A-G.
Other names: c.392A>G, p.Tyr131Cys (NM_001309840.2, NM_001309861.2); c.473A>G, p.Tyr158Cys (NM_001410912.1); c.2453A>G, p.Tyr818Cys (NM_001410913.1); c.*475A>G (NM_016592.5); c.2498A>G, p.Tyr833Cys (NM_080425.4); c.527A>G, p.Tyr176Cys (NM_080426.4); c.572A>G, p.Tyr191Cys (NM_001077488.5); c.524A>G, p.Tyr175Cys (NM_001077489.4); and 2 more; short protein forms Y131C, Y158C, Y175C, Y176C, Y190C, Y191C, Y818C, Y833C.
Identifiers: ClinVar variation 2577811 (VCV002577811.5), dbSNP rs2517226164, ClinGen allele CA409452029.